The following is an entry in ClinVar:

NM_024514.5(CYP2R1):c.88del (p.Leu30fs)

Genes: CYP2R1 (cytochrome P450 family 2 subfamily R member 1; minus strand), PDE3B (phosphodiesterase 3B; plus strand). Cytogenetic location: 11p15.2.
Variant type: Deletion.
Coding change: c.88del on transcript NM_024514.5 (MANE Select); coding-DNA position 88, one base deleted (C; older notation c.88delC).
Protein change: p.Leu30fs; shifts the reading frame from leucine 30.
Molecular consequence: frameshift variant. On other transcripts: intron variant (3).
Genome position (GRCh38, 1-based): chr11:14,892,118, G deleted on the plus strand (C on the coding strand, the reverse complement: CYP2R1 is on the minus strand). VCF-style (leftmost placement, unchanged base first): chr11-14892117-AG-A. GRCh37 (hg19) VCF-style: chr11-14913663-AG-A.
Other names: c.2887-6827del (NM_001429700.1); c.2887-6838del (NM_001429699.1); c.-121+247del (NM_001400558.1); short protein forms L30fs.
Identifiers: ClinVar variation 3711033 (VCV003711033.3).
Genomic context (GRCh38, chr11:14,892,117, plus strand): 5'-CCGATAAATGGCAGCCCCGGCGGCCCCGGGGGGAAGCCCATCGGCCGCCTCTGCTTCAGC[AG>A]CTGGCGGACCCCTAGCGCGAAGAGCAGCAGGAAGAGCGCGCCGCCGAGCGCCGCCGCGCC-3'

ClinVar aggregate classification (germline): Pathogenic/Likely pathogenic. Review status: criteria provided, multiple submitters, no conflicts (2 of 4 stars). 2 submissions from 2 submitters: Pathogenic (1); Likely pathogenic (1). Last evaluated 2026-02-06.

Submissions (2):

Dasa
Classification: Likely pathogenic. Last evaluated: 2026-02-06. Review status: criteria provided, single submitter. Criteria: DASA Assertion Criteria. Collection method: clinical testing. Allele origin: germline.
Comment: NM_024514.5(CYP2R1):c.88del (p.Leu30Cysfs*2) introduces a premature termination codon predicted to result in loss of normal protein function. Loss-of-function is an established mechanism of disease for this gene. The variant is present at low frequency in population datasets. Based on the available data, this variant is classified as likely pathogenic.

Labcorp Genetics (formerly Invitae), Labcorp
Classification: Pathogenic. Last evaluated: 2025-06-01. Review status: criteria provided, single submitter. Criteria: Invitae Variant Classification Sherloc (09022015). Collection method: clinical testing. Allele origin: germline.
Comment: This sequence change creates a premature translational stop signal (p.Leu30Cysfs*2) in the CYP2R1 gene. It is expected to result in an absent or disrupted protein product. Loss-of-function variants in CYP2R1 are known to be pathogenic (PMID: 15128933, 22855339, 25942481, 33715104). This variant is present in population databases (rs782472585, gnomAD 0.01%). This variant has not been reported in the literature in individuals affected with CYP2R1-related conditions. ClinVar contains an entry for this variant (Variation ID: 3711033). For these reasons, this variant has been classified as Pathogenic.

Literature cited by the submitters: PubMed 15128933 (cited by Labcorp Genetics (formerly Invitae), Labcorp); PubMed 22855339 (cited by Labcorp Genetics (formerly Invitae), Labcorp); PubMed 25942481 (cited by Labcorp Genetics (formerly Invitae), Labcorp); PubMed 33715104 (cited by Labcorp Genetics (formerly Invitae), Labcorp).